The following is an entry in ClinVar:

ClinVar aggregate classification (germline): Uncertain significance (1 of 4 stars; one submission).

Conditions:
Lethal multiple pterygium syndrome (LMPS). Identifiers: Orphanet 33108, MedGen C1854678, MONDO:0009668, OMIM 253290.

Submission:

Labcorp Genetics (formerly Invitae), Labcorp
Classification: Uncertain significance for Lethal multiple pterygium syndrome. Last evaluated: 2025-09-10. Review status: criteria provided, single submitter. Criteria: Invitae Variant Classification Sherloc (09022015). Collection method: clinical testing. Allele origin: germline.
Comment: This variant, c.377_379del, results in the deletion of 1 amino acid(s) of the CHRND protein (p.Ser126del), but otherwise preserves the integrity of the reading frame. This variant is not present in population databases (gnomAD no frequency). This variant has not been reported in the literature in individuals affected with CHRND-related conditions. Experimental studies and prediction algorithms are not available or were not evaluated, and the functional significance of this variant is currently unknown. In summary, the available evidence is currently insufficient to determine the role of this variant in disease. Therefore, it has been classified as a Variant of Uncertain Significance.

NM_000751.3(CHRND):c.377_379del (p.Ser126del)

Gene: CHRND (cholinergic receptor nicotinic delta subunit; plus strand). Cytogenetic location: 2q37.1.
Variant type: Deletion.
Coding change: c.377_379del on transcript NM_000751.3 (MANE Select); coding-DNA positions 377 to 379, 3 bases deleted (CCT; older notation c.377_379delCCT).
Protein change: p.Ser126del; deletes serine 126.
Genome position (GRCh38, 1-based): chr2:232,528,524-232,528,526, CCT deleted; deleting any 3 consecutive bases within chr2:232,528,522-232,528,526 gives the same sequence; the c. name uses the placement nearest the transcript's 3' end. VCF-style (leftmost placement, unchanged base first): chr2-232528521-TCTC-T. GRCh37 (hg19) VCF-style: chr2-233393231-TCTC-T.
Other names: c.332_334del, p.Ser111del (NM_001256657.2); c.106_108del, p.Pro36del (NM_001311195.2); c.74_76del, p.Ser25del (NM_001311196.2); short protein forms P36del, S111del, S126del, S25del.
Identifiers: ClinVar variation 4797184 (VCV004797184.1).